The following is an entry in ClinVar:

ClinVar aggregate classification (germline): Likely benign. Review status: criteria provided, multiple submitters, no conflicts (2 of 4 stars). 2 submissions from 2 submitters: Likely benign (2). Last evaluated 2025-12-24.

Conditions:
NTRK1-related disorder. Also called: NTRK1-related condition.
Hereditary insensitivity to pain with anhidrosis (CIPA). Also called: FAMILIAL DYSAUTONOMIA, TYPE II; HSAN Type IV; hereditary sensory and autonomic neuropathy type 4; NEUROPATHY, CONGENITAL SENSORY, WITH ANHIDROSIS; NTRK1 Congenital Insensitivity to Pain with Anhidrosis; INSENSITIVITY TO PAIN, CONGENITAL, WITH ANHIDROSIS. Identifiers: Orphanet 642, MedGen C0020074, MONDO:0009746, OMIM 256800.

Allele frequency attached by ClinVar (database versions not stated): gnomAD 0.00001 and 0.00002; TOPMed 0.00002; 1000 Genomes Project 30x 0.00031; 1000 Genomes Project 0.00040.
gnomAD v4.1: 36 of 1,546,644 alleles (0.0023%); highest among the groups gnomAD compares: African/African-American, 0.022%; no homozygotes.

Submissions (2):

Labcorp Genetics (formerly Invitae), Labcorp
Classification: Likely benign for Hereditary insensitivity to pain with anhidrosis. Last evaluated: 2025-12-24. Review status: criteria provided, single submitter. Criteria: Invitae Variant Classification Sherloc (09022015). Collection method: clinical testing. Allele origin: germline.

PreventionGenetics, part of Exact Sciences
Classification: Likely benign for NTRK1-related condition. Last evaluated: 2025-08-06. Review status: criteria provided, single submitter. Criteria: ACMG Guidelines, 2015. Collection method: clinical testing. Allele origin: germline.
Comment: This variant is classified as likely benign based on ACMG/AMP sequence variant interpretation guidelines (Richards et al. 2015 PMID: 25741868, with internal and published modifications).

NM_002529.4(NTRK1):c.99C>T (p.Ala33=)

Gene: NTRK1 (neurotrophic receptor tyrosine kinase 1; plus strand). Cytogenetic location: 1q23.1.
Variant type: single nucleotide variant.
Coding change: c.99C>T on transcript NM_002529.4 (MANE Select); coding-DNA position 99, C replaced by T.
Protein change: p.Ala33=; no amino-acid change (alanine 33 retained).
Molecular consequence: synonymous variant. On other transcripts: intron variant (1).
Genome position (GRCh38, 1-based): chr1:156,861,033, C>T. VCF-style: chr1-156861033-C-T. GRCh37 (hg19) VCF-style: chr1-156830825-C-T.
Other names: c.99C>T (NM_002529.3); c.99C>T, p.Ala33= (NM_001012331.2); c.123-3321C>T (NM_001007792.1).
Identifiers: ClinVar variation 1150114 (VCV001150114.10), dbSNP rs554115998, ClinGen allele CA1168819.